The following is an entry in ClinVar:

ClinVar aggregate classification (germline): Uncertain significance. Review status: criteria provided, multiple submitters, no conflicts (2 of 4 stars). 8 submissions from 8 submitters: Uncertain significance (8). Last evaluated 2026-01-26.

Conditions:
Lynch syndrome 4 (LYNCH4). Also called: Colorectal cancer, hereditary nonpolyposis, type 4; Hereditary non-polyposis colorectal cancer, type 4. Identifiers: Orphanet 144, MedGen C1838333, MONDO:0013699, OMIM 614337. Disease mechanism: loss of function.
PMS2-related disorder. Also called: PMS2-related condition.
Hereditary nonpolyposis colorectal neoplasms. Identifiers: MedGen C0009405, MeSH D003123.
Hereditary cancer-predisposing syndrome. Also called: Neoplastic Syndromes, Hereditary; Tumor predisposition; Hereditary neoplastic syndrome; Hereditary Cancer Syndrome. Identifiers: Orphanet 140162, MedGen C0027672, MeSH D009386, MONDO:0015356.
Lynch syndrome. Identifiers: Orphanet 144, MedGen C4552100, MONDO:0005835. Disease mechanism: loss of function.

gnomAD v4.1: 3 of 1,613,804 alleles (0.00019%); highest among the groups gnomAD compares: African/African-American, 0.0013%; no homozygotes.

Submissions (8):

PreventionGenetics, part of Exact Sciences
Classification: Uncertain significance for PMS2-related condition. Last evaluated: 2026-01-26. Review status: criteria provided, single submitter. Criteria: ACMG Guidelines, 2015. Collection method: clinical testing. Allele origin: germline.
Comment: The PMS2 c.833A>G variant is predicted to result in the amino acid substitution p.His278Arg. To our knowledge, this variant has not been reported in the literature or in a large population database (gnomAD), indicating this variant is rare. It is classified as uncertain in ClinVar (Variation ID: 632956). At this time, the clinical significance of this variant is uncertain due to the absence of conclusive functional and genetic evidence.

Labcorp Genetics (formerly Invitae), Labcorp
Classification: Uncertain significance for Hereditary nonpolyposis colorectal neoplasms. Last evaluated: 2025-11-26. Review status: criteria provided, single submitter. Criteria: Invitae Variant Classification Sherloc (09022015). Collection method: clinical testing. Allele origin: germline.
Comment: This sequence change replaces histidine, which is basic and polar, with arginine, which is basic and polar, at codon 278 of the PMS2 protein (p.His278Arg). This variant is not present in population databases (gnomAD no frequency). This variant has not been reported in the literature in individuals affected with PMS2-related conditions. ClinVar contains an entry for this variant (Variation ID: 632956). Invitae Evidence Modeling incorporating data from in vitro experimental studies (internal data) indicates that this missense variant is not expected to disrupt PMS2 function with a negative predictive value of 95%. In summary, the available evidence is currently insufficient to determine the role of this variant in disease. Therefore, it has been classified as a Variant of Uncertain Significance.

Color Diagnostics, LLC DBA Color Health
Classification: Uncertain significance for Hereditary cancer-predisposing syndrome. Last evaluated: 2025-06-23. Review status: criteria provided, single submitter. Criteria: ACMG Guidelines, 2015. Collection method: clinical testing. Allele origin: germline.
Comment: This missense variant replaces histidine with arginine at codon 278 of the PMS2 protein. Computational prediction is inconclusive regarding the impact of this variant on protein structure and function. To our knowledge, functional studies have not been reported for this variant. This variant has not been reported in individuals affected with PMS2-related disorders in the literature. This variant has not been identified in the general population by the Genome Aggregation Database (gnomAD). The available evidence is insufficient to determine the role of this variant in disease conclusively. Therefore, this variant is classified as a Variant of Uncertain Significance.

Molecular Pathology, Peter Maccallum Cancer Centre
Classification: Uncertain significance for Lynch syndrome 4. Last evaluated: 2025-03-21. Review status: criteria provided, single submitter. Criteria: ACMG Guidelines, 2015. Collection method: clinical testing. Allele origin: germline. Inheritance: Autosomal dominant inheritance.

All of Us Research Program, National Institutes of Health
Classification: Uncertain significance for Lynch syndrome. Last evaluated: 2023-04-27. Review status: criteria provided, single submitter. Criteria: ACMG Guidelines, 2015. Collection method: clinical testing. Allele origin: germline. Inheritance: Autosomal dominant inheritance. Observed: 1 variant allele, 1 heterozygote.
Comment: This study involves interpretation of variants in research participants for the purpose of population health screening. Participant phenotype was not available at the time of variant classification. Additional details can be found in publication PMID: 35346344, PMCID: PMC8962531

Ambry Genetics
Classification: Uncertain significance for Hereditary cancer-predisposing syndrome. Last evaluated: 2021-10-22. Review status: criteria provided, single submitter. Criteria: Ambry Variant Classification Scheme 2023. Collection method: clinical testing. Allele origin: germline.
Comment: The p.H278R variant (also known as c.833A>G), located in coding exon 8 of the PMS2 gene, results from an A to G substitution at nucleotide position 833. The histidine at codon 278 is replaced by arginine, an amino acid with highly similar properties. This amino acid position is well conserved in available vertebrate species. In addition, the in silico prediction for this alteration is inconclusive. Since supporting evidence is limited at this time, the clinical significance of this alteration remains unclear.

Women's Health and Genetics/Laboratory Corporation of America, LabCorp
Classification: Uncertain significance. Last evaluated: 2020-07-02. Review status: criteria provided, single submitter. Criteria: LabCorp Variant Classification Summary - May 2015. Collection method: clinical testing. Allele origin: germline.
Comment: Variant summary: PMS2 c.833A>G (p.His278Arg) results in a non-conservative amino acid change located in the DNA mismatch repair protein family, N-terminal domain and DNA mismatch repair protein, S5 domain 2-like of the encoded protein sequence. Five of five in-silico tools predict a damaging effect of the variant on protein function. The variant was absent in 251426 control chromosomes (gnomAD). The available data on variant occurrences in the general population are insufficient to allow any conclusion about variant significance. To our knowledge, no occurrence of c.833A>G in individuals affected with Hereditary Nonpolyposis Colorectal Cancer and no experimental evidence demonstrating its impact on protein function have been reported. Two ClinVar submitters (evaluation after 2014) cite the variant as uncertain significance. Based on the evidence outlined above, the variant was classified as uncertain significance.

Quest Diagnostics Nichols Institute San Juan Capistrano
Classification: Uncertain significance. Last evaluated: 2019-02-12. Review status: criteria provided, single submitter. Criteria: Quest Diagnostics criteria. Collection method: clinical testing. Allele origin: germline.

NM_000535.7(PMS2):c.833A>G (p.His278Arg)

Gene: PMS2 (PMS1 homolog 2, mismatch repair system component; minus strand). Cytogenetic location: 7p22.1.
Variant type: single nucleotide variant.
Coding change: c.833A>G on transcript NM_000535.7 (MANE Select); coding-DNA position 833, A replaced by G.
Protein change: p.His278Arg; replaces histidine 278 with arginine.
Molecular consequence: missense variant. On other transcripts: 5 prime UTR variant (2), non-coding transcript variant (1).
Genome position (GRCh38, 1-based): chr7:5,995,604, T>C on the plus strand (A>G on the coding strand, the complement: PMS2 is on the minus strand). VCF-style: chr7-5995604-T-C. GRCh37 (hg19) VCF-style: chr7-6035235-T-C.
Other names: c.428A>G, p.His143Arg (NM_001322003.2, NM_001322004.2, NM_001322005.2 and 2 more transcripts); c.833A>G, p.His278Arg (NM_001322006.2, NM_001322014.2); c.515A>G, p.His172Arg (NM_001322007.2, NM_001322008.2); c.-101A>G (NM_001322011.2, NM_001322012.2); c.260A>G, p.His87Arg (NM_001322013.2); c.524A>G, p.His175Arg (NM_001322015.2); short protein forms H278R, H172R, H175R, H87R, H143R.
Identifiers: ClinVar variation 632956 (VCV000632956.21), dbSNP rs1562664434, ClinGen allele CA366743526.
Genomic context (GRCh38, chr7:5,995,604, plus strand): 5'-TCACAAGGCCGCCGGTTGATAAAGAAAAACTGTCTGTCTGTTGAACTCCTTCCAACTCCA[T>C]GCGTGCATTGTGAAATGAAACCTGAGATGCTATTCAACATTAATATGGTAAGGGCAGGAT-3'
Protein context (NP_000526.2, residues 268-288): YISGFISQCT[His278Arg]GVGRSSTDRQ